The following is an entry in ClinVar:

ClinVar aggregate classification (germline): Uncertain significance. Review status: criteria provided, multiple submitters, no conflicts (2 of 4 stars). 2 submissions from 2 submitters: Uncertain significance (2). Last evaluated 2024-09-09.

Allele frequency attached by ClinVar (database versions not stated): gnomAD 0.00001; gnomAD exomes 0.00001; TOPMed 0.00001; ExAC 0.00001.
gnomAD v4.1: 7 of 1,612,812 alleles (0.00043%); highest among the groups gnomAD compares: Admixed American, 0.012%; no homozygotes.

Submissions (2):

Labcorp Genetics (formerly Invitae), Labcorp
Classification: Uncertain significance. Last evaluated: 2024-09-09. Review status: criteria provided, single submitter. Criteria: Invitae Variant Classification Sherloc (09022015). Collection method: clinical testing. Allele origin: germline.
Comment: This sequence change replaces alanine, which is neutral and non-polar, with threonine, which is neutral and polar, at codon 905 of the AHDC1 protein (p.Ala905Thr). This variant is present in population databases (rs751166506, gnomAD 0.02%). This variant has not been reported in the literature in individuals affected with AHDC1-related conditions. ClinVar contains an entry for this variant (Variation ID: 2060282). An algorithm developed to predict the effect of missense changes on protein structure and function outputs the following: PolyPhen-2: "Benign". The threonine amino acid residue is found in multiple mammalian species, which suggests that this missense change does not adversely affect protein function. In summary, the available evidence is currently insufficient to determine the role of this variant in disease. Therefore, it has been classified as a Variant of Uncertain Significance.

Women's Health and Genetics/Laboratory Corporation of America, LabCorp
Classification: Uncertain significance. Last evaluated: 2023-01-28. Review status: criteria provided, single submitter. Criteria: LabCorp Variant Classification Summary - May 2015. Collection method: clinical testing. Allele origin: germline.
Comment: Variant summary: AHDC1 c.2713G>A (p.Ala905Thr) results in a non-conservative amino acid change in the encoded protein sequence. Four of five in-silico tools predict a benign effect of the variant on protein function. The variant allele was found at a frequency of 2.4e-05 in 247986 control chromosomes (gnomAD). The available data on variant occurrences in the general population are insufficient to allow any conclusion about variant significance. To our knowledge, no occurrence of c.2713G>A in individuals affected with Xia-Gibbs Syndrome and no experimental evidence demonstrating its impact on protein function have been reported. No clinical diagnostic laboratories have submitted clinical-significance assessments for this variant to ClinVar after 2014. Based on the evidence outlined above, the variant was classified as uncertain significance.

NM_001371928.1(AHDC1):c.2713G>A (p.Ala905Thr)

Gene: AHDC1 (AT-hook DNA binding motif containing 1; minus strand). Cytogenetic location: 1p36.11.
Variant type: single nucleotide variant.
Coding change: c.2713G>A on transcript NM_001371928.1 (MANE Select); coding-DNA position 2713, G replaced by A.
Protein change: p.Ala905Thr; replaces alanine 905 with threonine.
Molecular consequence: missense variant.
Genome position (GRCh38, 1-based): chr1:27,549,403, C>T on the plus strand (G>A on the coding strand, the complement: AHDC1 is on the minus strand). VCF-style: chr1-27549403-C-T. GRCh37 (hg19) VCF-style: chr1-27875914-C-T.
Other names: c.2713G>A, p.Ala905Thr (NM_001029882.3); short protein forms A905T.
Identifiers: ClinVar variation 2060282 (VCV002060282.7), dbSNP rs751166506, ClinGen allele CA715716.
Genomic context (GRCh38, chr1:27,549,403, plus strand): 5'-GTCCTGGTGGGAAGGTCTGGCGCGCGGACAGGACAGGCTGAAAGGAGGGGTCCGCCCCAG[C>T]CCCGCTGCTACCCACTGCCACTGGGCTGGCCTTGGCTCCCCGGCTAGGGAAGGTGGCCAG-3'
Protein context (NP_001358857.1, residues 895-915): ASPVAVGSSG[Ala905Thr]GADPSFQPVL